The following is an entry in ClinVar:

NM_005476.7(GNE):c.1639G>T (p.Gly547Cys)

Gene: GNE (glucosamine (UDP-N-acetyl)-2-epimerase/N-acetylmannosamine kinase; minus strand). Cytogenetic location: 9p13.3.
Variant type: single nucleotide variant.
Coding change: c.1639G>T on transcript NM_005476.7 (MANE Select); coding-DNA position 1639, G replaced by T.
Protein change: p.Gly547Cys; replaces glycine 547 with cysteine.
Molecular consequence: missense variant.
Genome position (GRCh38, 1-based): chr9:36,220,015, C>A on the plus strand (G>T on the coding strand, the complement: GNE is on the minus strand). VCF-style: chr9-36220015-C-A. GRCh37 (hg19) VCF-style: chr9-36220012-C-A.
Other names: c.1732G>T, p.Gly578Cys (NM_001128227.3); c.1417G>T, p.Gly473Cys (NM_001190383.3); c.1309G>T, p.Gly437Cys (NM_001190384.3); c.1462G>T, p.Gly488Cys (NM_001190388.2, NM_001374798.1); c.1486G>T, p.Gly496Cys (NM_001374797.1); short protein forms G547C, G578C, G473C, G437C, G496C, G488C.
Identifiers: ClinVar variation 581094 (VCV000581094.48), dbSNP rs1306768272, ClinGen allele CA373425910.

ClinVar aggregate classification (germline): Uncertain significance. Review status: criteria provided, multiple submitters, no conflicts (2 of 4 stars). 5 submissions from 4 submitters: Uncertain significance (4). 1 of the submissions does not count toward it. Last evaluated 2025-01-13.

Conditions:
Sialuria. Also called: Sialic Acid Storage Disease; SIALURIA, FRENCH TYPE. Identifiers: Orphanet 3166, MedGen C0342853, MONDO:0010028, OMIM 269921.
GNE myopathy (NM). Also called: NONAKA DISTAL MYOPATHY; INCLUSION BODY MYOPATHY, HEREDITARY, AUTOSOMAL RECESSIVE; INCLUSION BODY MYOPATHY 2, AUTOSOMAL RECESSIVE; IBM 2; Inclusion body myopathy autosomal recessive; Inclusion body myopathy quadriceps sparing. Identifiers: Orphanet 602, MedGen C1853926, MONDO:0011603, OMIM 605820.

Allele frequency attached by ClinVar (database versions not stated): gnomAD 0.00001; TOPMed 0.00002.

Submissions (5):

Labcorp Genetics (formerly Invitae), Labcorp
Classification: Uncertain significance for Sialuria; GNE myopathy. Last evaluated: 2025-01-13. Review status: criteria provided, single submitter. Criteria: Invitae Variant Classification Sherloc (09022015). Collection method: clinical testing. Allele origin: germline.
Comment: This sequence change replaces glycine, which is neutral and non-polar, with cysteine, which is neutral and slightly polar, at codon 578 of the GNE protein (p.Gly578Cys). This variant is present in population databases (no rsID available, gnomAD 0.0009%). This variant has not been reported in the literature in individuals affected with GNE-related conditions. ClinVar contains an entry for this variant (Variation ID: 581094). Invitae Evidence Modeling of protein sequence and biophysical properties (such as structural, functional, and spatial information, amino acid conservation, physicochemical variation, residue mobility, and thermodynamic stability) has been performed for this missense variant. However, the output from this modeling did not meet the statistical confidence thresholds required to predict the impact of this variant on GNE protein function. In summary, the available evidence is currently insufficient to determine the role of this variant in disease. Therefore, it has been classified as a Variant of Uncertain Significance.

CeGaT Center for Human Genetics Tuebingen
Classification: Uncertain significance. Last evaluated: 2021-09-01. Review status: criteria provided, single submitter. Criteria: CeGaT Center For Human Genetics Tuebingen Variant Classification Criteria Version 2. Collection method: clinical testing. Allele origin: germline. Affected: yes. Observed: 1 variant allele.

Illumina Laboratory Services, Illumina
Classification: Uncertain significance for GNE myopathy. Last evaluated: 2018-01-13. Review status: criteria provided, single submitter. Criteria: ICSL Variant Classification Criteria 13 December 2019. Collection method: clinical testing. Allele origin: germline.

Illumina Laboratory Services, Illumina
Classification: Uncertain significance for Sialuria. Last evaluated: 2018-01-13. Review status: criteria provided, single submitter. Criteria: ICSL Variant Classification Criteria 13 December 2019. Collection method: clinical testing. Allele origin: germline.

Natera, Inc.
Classification: Uncertain significance for Nonaka myopathy. Last evaluated: 2020-03-12. Review status: no assertion criteria provided. Collection method: clinical testing. Allele origin: germline. Not counted in ClinVar's aggregate classification.